The following is an entry in ClinVar:

ClinVar aggregate classification (germline): Uncertain significance (1 of 4 stars; one submission).

Submission:

Labcorp Genetics (formerly Invitae), Labcorp
Classification: Uncertain significance. Last evaluated: 2024-02-23. Review status: criteria provided, single submitter. Criteria: Invitae Variant Classification Sherloc (09022015). Collection method: clinical testing. Allele origin: germline.
Comment: This sequence change replaces alanine, which is neutral and non-polar, with glycine, which is neutral and non-polar, at codon 1842 of the VCAN protein (p.Ala1842Gly). This variant is not present in population databases (gnomAD no frequency). This variant has not been reported in the literature in individuals affected with VCAN-related conditions. ClinVar contains an entry for this variant (Variation ID: 1418374). An algorithm developed to predict the effect of missense changes on protein structure and function (PolyPhen-2) suggests that this variant is likely to be disruptive. In summary, the available evidence is currently insufficient to determine the role of this variant in disease. Therefore, it has been classified as a Variant of Uncertain Significance.

NM_004385.5(VCAN):c.5525C>G (p.Ala1842Gly)

Genes: VCAN (versican; plus strand), VCAN-AS1 (VCAN antisense RNA 1; minus strand). Cytogenetic location: 5q14.3.
Variant type: single nucleotide variant.
Coding change: c.5525C>G on transcript NM_004385.5 (MANE Select); coding-DNA position 5525, C replaced by G.
Protein change: p.Ala1842Gly; replaces alanine 1842 with glycine.
Molecular consequence: missense variant. On other transcripts: intron variant (2).
Genome position (GRCh38, 1-based): chr5:83,538,528, C>G. VCF-style: chr5-83538528-C-G. GRCh37 (hg19) VCF-style: chr5-82834347-C-G.
Other names: c.2564C>G, p.Ala855Gly (NM_001164097.2); c.4004-7009C>G (NM_001164098.2); c.1043-7009C>G (NM_001126336.3); short protein forms A1842G, A855G.
Identifiers: ClinVar variation 1418374 (VCV001418374.6), dbSNP rs2112442625, ClinGen allele CA360310597.